The following is an entry in ClinVar:

NM_001330260.2(SCN8A):c.2897T>G (p.Leu966Trp)

Gene: SCN8A (sodium voltage-gated channel alpha subunit 8; plus strand). Cytogenetic location: 12q13.13.
Variant type: single nucleotide variant.
Coding change: c.2897T>G on transcript NM_001330260.2 (MANE Select); coding-DNA position 2897, T replaced by G.
Protein change: p.Leu966Trp; replaces leucine 966 with tryptophan.
Molecular consequence: missense variant.
Genome position (GRCh38, 1-based): chr12:51,766,023, T>G. VCF-style: chr12-51766023-T-G. GRCh37 (hg19) VCF-style: chr12-52159807-T-G.
Other names: c.2897T>G, p.Leu966Trp (NM_001177984.3, NM_001369788.1, NM_014191.4); short protein forms L966W.
Identifiers: ClinVar variation 1467335 (VCV001467335.9), dbSNP rs1555225844, ClinGen allele CA384890195.
Genomic context (GRCh38, chr12:51,766,023, plus strand): 5'-AAGTGGCAGGCCAGGCCATGTGCCTCATTGTCTTTATGATGGTCATGGTGATTGGCAACT[T>G]GGTGGTTAGTACTAATTTGTAGATATTTTTGTTCTACACCCTGAATATTCTACCCCTGGC-3'
Protein context (NP_001317189.1, residues 956-976): VFMMVMVIGN[Leu966Trp]VVLNLFLALL

ClinVar aggregate classification (germline): Uncertain significance (1 of 4 stars; one submission).

Conditions:
Early-infantile DEE. Also called: Ohtahara syndrome; Early infantile epileptic encephalopathy with suppression bursts; Early infantile epileptic encephalopathy. Identifiers: Orphanet 1934, MedGen C0393706, MONDO:0800491.

Submission:

Labcorp Genetics (formerly Invitae), Labcorp
Classification: Uncertain significance for Early-infantile DEE. Last evaluated: 2021-02-20. Review status: criteria provided, single submitter. Criteria: Invitae Variant Classification Sherloc (09022015). Collection method: clinical testing. Allele origin: germline.
Comment: In summary, the available evidence is currently insufficient to determine the role of this variant in disease. Therefore, it has been classified as a Variant of Uncertain Significance. Algorithms developed to predict the effect of missense changes on protein structure and function are either unavailable or do not agree on the potential impact of this missense change (SIFT: "Deleterious"; PolyPhen-2: "Probably Damaging"; Align-GVGD: "Class C0"). This variant has not been reported in the literature in individuals with SCN8A-related conditions. This variant is not present in population databases (ExAC no frequency). This sequence change replaces leucine with tryptophan at codon 966 of the SCN8A protein (p.Leu966Trp). The leucine residue is highly conserved and there is a small physicochemical difference between leucine and tryptophan.